The following is an entry in ClinVar:

NM_018896.5(CACNA1G):c.6230G>C (p.Gly2077Ala)

Gene: CACNA1G (calcium voltage-gated channel subunit alpha1 G; plus strand). Cytogenetic location: 17q21.33.
Variant type: single nucleotide variant.
Coding change: c.6230G>C on transcript NM_018896.5 (MANE Select); coding-DNA position 6230, G replaced by C.
Protein change: p.Gly2077Ala; replaces glycine 2077 with alanine.
Molecular consequence: missense variant. On other transcripts: non-coding transcript variant (5).
Genome position (GRCh38, 1-based): chr17:50,624,360, G>C. VCF-style: chr17-50624360-G-C. GRCh37 (hg19) VCF-style: chr17-48701721-G-C.
Other names: p.Gly2077Ala; c.6041G>C, p.Gly2014Ala (NM_001256324.2); c.5972G>C, p.Gly1991Ala (NM_001256325.2); c.5960G>C, p.Gly1987Ala (NM_001256326.2); c.5930G>C, p.Gly1977Ala (NM_001256327.2); c.5876G>C, p.Gly1959Ala (NM_001256328.2); c.5849G>C, p.Gly1950Ala (NM_001256329.2, NM_198376.3, NM_198387.3); c.5816G>C, p.Gly1939Ala (NM_001256330.2); and 16 more; short protein forms G1927A, G1932A, G1939A, G1943A, G1946A, G1948A, G1950A, G1957A.
Identifiers: ClinVar variation 1706856 (VCV001706856.3), dbSNP rs2053120737, ClinGen allele CA400269767.

ClinVar aggregate classification (germline): Uncertain significance. Review status: criteria provided, multiple submitters, no conflicts (2 of 4 stars). 2 submissions from 2 submitters: Uncertain significance (2). Last evaluated 2024-11-19.

Allele frequency attached by ClinVar (database versions not stated): gnomAD exomes below 0.00001; TOPMed below 0.00001.

Submissions (2):

Mayo Clinic Laboratories, Mayo Clinic
Classification: Uncertain significance. Last evaluated: 2024-11-19. Review status: criteria provided, single submitter. Criteria: ACMG Guidelines, 2015. Collection method: clinical testing. Allele origin: germline. Observed: 1 variant allele.
Comment: BS2

GeneDx
Classification: Uncertain significance. Last evaluated: 2022-09-23. Review status: criteria provided, single submitter. Criteria: GeneDx Variant Classification Process June 2021. Collection method: clinical testing. Allele origin: germline. Affected: yes.
Comment: Not observed at significant frequency in large population cohorts (gnomAD); In silico analysis supports that this missense variant has a deleterious effect on protein structure/function; In silico analysis, which includes splice predictors and evolutionary conservation, suggests this variant may impact gene splicing. In the absence of RNA/functional studies, the actual effect of this sequence change is unknown.; Has not been previously published as pathogenic or benign to our knowledge